The following is an entry in ClinVar:

ClinVar aggregate classification (germline): Pathogenic. Review status: criteria provided, multiple submitters, no conflicts (2 of 4 stars). 3 submissions from 3 submitters: Pathogenic (3). Last evaluated 2025-07-25.

Conditions:
Gaucher disease. Also called: Acute cerebral Gaucher disease; Cerebroside lipidosis syndrome; Gaucher splenomegaly; Sphingolipidosis 1; Glucocerebrosidosis; Glucosylceramidase deficiency. Identifiers: Orphanet 355, MedGen C0017205, MONDO:0018150.
Gaucher disease type I (GD1). Also called: Type 1 Gaucher Disease; Gaucher's disease, type 1; ACID BETA-GLUCOSIDASE DEFICIENCY; GAUCHER DISEASE, NONCEREBRAL JUVENILE; GBA DEFICIENCY; GD I. Identifiers: Orphanet 355, Orphanet 77259, MedGen C1961835, MONDO:0009265, OMIM 230800.

Allele frequency attached by ClinVar (database versions not stated): gnomAD exomes below 0.00001.
gnomAD v4.1: 4 of 1,614,074 alleles (0.00025%); highest among the groups gnomAD compares: Non-Finnish European, 0.00034%; no homozygotes.

Submissions (3):

Natera, Inc.
Classification: Pathogenic for Gaucher disease. Last evaluated: 2025-07-25. Review status: criteria provided, single submitter. Criteria: Natera Variant Classification Schema (03/2026). Collection method: clinical testing. Allele origin: germline.
Comment: The c.260G>A variant in GBA1 is a missense variant predicted to cause substitution of arginine to glutamine at amino acid 87. This variant is rare in the general population with a frequency below the threshold expected for the associated phenotype(s). This variant has been observed in one or more individuals affected with the associated recessive disease, as either homozygous or compound heterozygous with a second variant (PMID: 36637080, 32165122, 38667330, 37833892, 22350617, 30764785). A different variant at the same position has been determined to be Pathogenic or Likely Pathogenic. Computational prediction algorithms indicate this variant is likely to affect gene or protein function. Given the available evidence, this variant is classified as Pathogenic.

Women's Health and Genetics/Laboratory Corporation of America, LabCorp
Classification: Pathogenic for Gaucher disease. Last evaluated: 2025-02-10. Review status: criteria provided, single submitter. Criteria: LabCorp Variant Classification Summary - May 2015. Collection method: clinical testing. Allele origin: germline.
Comment: Variant summary: GBA1 c.260G>A (p.Arg87Gln) results in a conservative amino acid change in the encoded protein sequence. Four of five in-silico tools predict a damaging effect of the variant on protein function. The variant was absent in 251272 control chromosomes. c.260G>A has been reported in the literature as a compound heterozygous genotype in individuals affected with Gaucher Disease (example, Erdos_2007, Biegstraaten_2013, Siebert_2013, Kang_2018, Huang_2020, Dimitriou_2020). These data indicate that the variant is likely to be associated with disease. A different variant affecting the same codon has been classified as pathogenic by our lab (c.259C>T, p.Arg87Trp), supporting the critical relevance of codon 87 to GBA1 protein function. To our knowledge, no experimental evidence demonstrating an impact on protein function has been reported. The following publications have been ascertained in the context of this evaluation (PMID: 22350617, 32547927, 17395504, 32165122, 29685539, 16293621, 23430543). ClinVar contains an entry for this variant (Variation ID: 2503944). Based on the evidence outlined above, the variant was classified as pathogenic.

Foundation for Research in Genetics and Endocrinology, FRIGE's Institute of Human Genetics
Classification: Pathogenic for Gaucher disease type I. Last evaluated: 2024-03-22. Review status: criteria provided, single submitter. Criteria: ACMG Guidelines, 2015. Collection method: clinical testing. Allele origin: germline. Inheritance: Autosomal recessive inheritance. Affected: yes. Observed: 1 homozygote.
Comment: A homozygous missense variant in exon 3 of the GBA1 gene that results in the amino acid substitution of Glutamine for Arginine at codon 87 was detected. The observed variant c.260G>A (p.Arg87Gln) has not been reported in the 1000 genomes and gnomAD databases. The in-silico prediction of the variant is damaging by MutationTaster2 and DANN. In summary, the variant meets our criteria to be classified as pathogenic

Literature cited by the submitters: PubMed 36637080 (cited by Natera, Inc.); PubMed 32165122 (cited by Natera, Inc. and Women's Health and Genetics/Laboratory Corporation of America, LabCorp); PubMed 38667330 (cited by Natera, Inc.); PubMed 37833892 (cited by Natera, Inc.); PubMed 22350617 (cited by Natera, Inc. and Women's Health and Genetics/Laboratory Corporation of America, LabCorp); PubMed 30764785 (cited by Natera, Inc.); PubMed 16293621 (cited by Women's Health and Genetics/Laboratory Corporation of America, LabCorp); PubMed 23430543 (cited by Women's Health and Genetics/Laboratory Corporation of America, LabCorp); PubMed 17395504 (cited by Women's Health and Genetics/Laboratory Corporation of America, LabCorp); PubMed 32547927 (cited by Women's Health and Genetics/Laboratory Corporation of America, LabCorp); PubMed 29685539 (cited by Women's Health and Genetics/Laboratory Corporation of America, LabCorp).

NM_000157.4(GBA1):c.260G>A (p.Arg87Gln)

Genes: GBA1 (glucosylceramidase beta 1; minus strand), LOC106627981 (GBA recombination region; plus strand). Cytogenetic location: 1q22.
Variant type: single nucleotide variant.
Coding change: c.260G>A on transcript NM_000157.4 (MANE Select); coding-DNA position 260, G replaced by A.
Protein change: p.Arg87Gln; replaces arginine 87 with glutamine.
Molecular consequence: missense variant. On other transcripts: 5 prime UTR variant (1).
Genome position (GRCh38, 1-based): chr1:155,239,933, C>T on the plus strand (G>A on the coding strand, the complement: GBA1 is on the minus strand). VCF-style: chr1-155239933-C-T. GRCh37 (hg19) VCF-style: chr1-155209724-C-T.
Other names: p.Arg87Gln; c.260G>A, p.Arg87Gln (NM_001005741.3, NM_001005742.3, NM_001171812.2); c.-2G>A (NM_001171811.2); c.260G>A (NM_000157.3); short protein forms R87Q.
Identifiers: ClinVar variation 2503944 (VCV002503944.5), dbSNP rs78769774, ClinGen allele CA30896518.